The following is an entry in ClinVar:

ClinVar aggregate classification (germline): Uncertain significance (3 of 4 stars; one submission).

Conditions:
Juvenile retinoschisis (RS1). Also called: X-linked retinoschisis; X-Linked Juvenile Retinoschisis. Identifiers: Orphanet 792, MedGen C3714753, MONDO:0010725, OMIM 312700.

Submission:

ClinGen X-linked Inherited Retinal Disease Variant Curation Expert Panel, ClinGen
Classification: Uncertain significance for Juvenile retinoschisis. Last evaluated: 2025-09-23. Review status: reviewed by expert panel. Criteria: ClinGen X LinkedIRD ACMG Specifications RS1 V1.0.0. Collection method: curation. Allele origin: germline. Inheritance: X-linked inheritance.
Comment: NM_000330.4(RS1):c.38T>A (p.Leu13His) is a missense variant encoding the substitution of leucine with histidine at position 13. This variant is absent from hemizygous individuals in gnomAD v4.1.0 (PM2_Supporting). The computational predictor REVEL gives a score of 0.625, which is below the ClinGen X-linked IRD VCEP PP3 threshold of >0.664 and above the BP4 threshold of <0.290 and does not predict a damaging effect on RS1 function. The splicing impact predictor SpliceAI gives a score of 0.00, which is below the ClinGen X-linked IRD VCEP recommended threshold of ≥0.2 and does not strongly predict an impact on splicing, so neither PP3 nor BP4 is met. In summary, this variant is classified as a variant of uncertain significance for X-linked retinoschisis based on the ClinGen X-linked Inherited Retinal Disease Expert Panel Specifications to the ACMG/AMP Variant Interpretation Guidelines for RS1 Version 1.0.0: PM2_Supporting.

NM_000330.4(RS1):c.38T>A (p.Leu13His)

Gene: RS1 (retinoschisin 1; minus strand). Cytogenetic location: Xp22.13.
Variant type: single nucleotide variant.
Coding change: c.38T>A on transcript NM_000330.4 (MANE Select); coding-DNA position 38, T replaced by A.
Protein change: p.Leu13His; replaces leucine 13 with histidine.
Molecular consequence: missense variant.
Genome position (GRCh38, 1-based): chrX:18,672,031, A>T on the plus strand (T>A on the coding strand, the complement: RS1 is on the minus strand). VCF-style: chrX-18672031-A-T. GRCh37 (hg19) VCF-style: chrX-18690151-A-T.
Other names: NM_000330.4:c.38T>A; short protein forms L13H.
Identifiers: ClinVar variation 4279577 (VCV004279577.1).